The following is an entry in ClinVar:

ClinVar aggregate classification (germline): Uncertain significance. Review status: criteria provided, multiple submitters, no conflicts (2 of 4 stars). 2 submissions from 2 submitters: Uncertain significance (2). Last evaluated 2025-08-26.

Conditions:
Inborn genetic diseases. Identifiers: MedGen C0950123, MeSH D030342.

gnomAD v4.1: 4 of 1,535,902 alleles (0.00026%); highest among the groups gnomAD compares: Middle Eastern, 0.067%; 1 homozygote.

Submissions (2):

Ambry Genetics
Classification: Uncertain significance for Inborn genetic diseases. Last evaluated: 2025-08-26. Review status: criteria provided, single submitter. Criteria: Ambry Variant Classification Scheme 2023. Collection method: clinical testing. Allele origin: germline.

CeGaT Center for Human Genetics Tuebingen
Classification: Uncertain significance. Last evaluated: 2023-02-01. Review status: criteria provided, single submitter. Criteria: CeGaT Center For Human Genetics Tuebingen Variant Classification Criteria Version 2. Collection method: clinical testing. Allele origin: germline. Affected: yes. Observed: 1 variant allele.
Comment: KIF7: PM1, PM2, PP3

NM_198525.3(KIF7):c.1033C>G (p.Arg345Gly)

Gene: KIF7 (kinesin family member 7; minus strand). Cytogenetic location: 15q26.1.
Variant type: single nucleotide variant.
Coding change: c.1033C>G on transcript NM_198525.3 (MANE Select); coding-DNA position 1033, C replaced by G.
Protein change: p.Arg345Gly; replaces arginine 345 with glycine.
Molecular consequence: missense variant.
Genome position (GRCh38, 1-based): chr15:89,648,665, G>C on the plus strand (C>G on the coding strand, the complement: KIF7 is on the minus strand). VCF-style: chr15-89648665-G-C. GRCh37 (hg19) VCF-style: chr15-90191896-G-C.
Other names: c.1033C>G (NM_198525.2); short protein forms R345G.
Identifiers: ClinVar variation 2498626 (VCV002498626.29), dbSNP rs1964065075, ClinGen allele CA393772967.